The following is an entry in ClinVar:

ClinVar aggregate classification (germline): Uncertain significance. Review status: criteria provided, multiple submitters, no conflicts (2 of 4 stars). 2 submissions from 2 submitters: Uncertain significance (2). Last evaluated 2024-11-19.

Conditions:
Menkes kinky-hair syndrome (MNK). Also called: Copper transport disease; Menkes Disease; Classic Menkes Disease. Identifiers: Orphanet 565, MedGen C0022716, MONDO:0010651, OMIM 309400.
Cutis laxa, X-linked (OHS). Also called: EDS IX; Occipital horn syndrome. Identifiers: Orphanet 198, MedGen C0268353, MONDO:0010572, OMIM 304150.
X-linked distal spinal muscular atrophy type 3. Also called: SPINAL MUSCULAR ATROPHY, DISTAL, X-LINKED RECESSIVE; NEURONOPATHY, DISTAL HEREDITARY MOTOR, X-LINKED; NEUROPATHY, DISTAL HEREDITARY MOTOR, X-LINKED; ATP7A-Related Distal Motor Neuropathy. Identifiers: Orphanet 139557, MedGen C1845359, MONDO:0010338, OMIM 300489.

Allele frequency attached by ClinVar (database versions not stated): gnomAD exomes 0.00001.
gnomAD v4.1: 9 of 1,211,164 alleles (0.00074%); highest among the groups gnomAD compares: Non-Finnish European, 0.00089%; no homozygotes.

Submissions (2):

GeneDx
Classification: Uncertain significance. Last evaluated: 2024-11-19. Review status: criteria provided, single submitter. Criteria: GeneDx Variant Classification Process June 2021. Collection method: clinical testing. Allele origin: germline. Affected: yes.
Comment: Not observed at significant frequency in large population cohorts (gnomAD); In silico analysis supports that this missense variant has a deleterious effect on protein structure/function; Has not been previously published as pathogenic or benign to our knowledge

Labcorp Genetics (formerly Invitae), Labcorp
Classification: Uncertain significance for X-linked distal spinal muscular atrophy type 3; Cutis laxa, X-linked; Menkes kinky-hair syndrome. Last evaluated: 2024-06-24. Review status: criteria provided, single submitter. Criteria: Invitae Variant Classification Sherloc (09022015). Collection method: clinical testing. Allele origin: germline.
Comment: This sequence change replaces valine, which is neutral and non-polar, with alanine, which is neutral and non-polar, at codon 1214 of the ATP7A protein (p.Val1214Ala). This variant is not present in population databases (gnomAD no frequency). This variant has not been reported in the literature in individuals affected with ATP7A-related conditions. ClinVar contains an entry for this variant (Variation ID: 2160021). Advanced modeling of protein sequence and biophysical properties (such as structural, functional, and spatial information, amino acid conservation, physicochemical variation, residue mobility, and thermodynamic stability) performed at Invitae indicates that this missense variant is not expected to disrupt ATP7A protein function with a negative predictive value of 95%. In summary, the available evidence is currently insufficient to determine the role of this variant in disease. Therefore, it has been classified as a Variant of Uncertain Significance.

NM_000052.7(ATP7A):c.3641T>C (p.Val1214Ala)

Gene: ATP7A (ATPase copper transporting alpha; plus strand). Cytogenetic location: Xq21.1.
Variant type: single nucleotide variant.
Coding change: c.3641T>C on transcript NM_000052.7 (MANE Select); coding-DNA position 3641, T replaced by C.
Protein change: p.Val1214Ala; replaces valine 1214 with alanine.
Molecular consequence: missense variant. On other transcripts: non-coding transcript variant (1).
Genome position (GRCh38, 1-based): chrX:78,038,965, T>C. VCF-style: chrX-78038965-T-C. GRCh37 (hg19) VCF-style: chrX-77294463-T-C.
Other names: c.3407T>C, p.Val1136Ala (NM_001282224.2); c.3641T>C (NM_000052.4); short protein forms V1214A, V1136A.
Identifiers: ClinVar variation 2160021 (VCV002160021.4), dbSNP rs868913949, ClinGen allele CA413604630.
Genomic context (GRCh38, chrX:78,038,965, plus strand): 5'-TCATTAATAACGATGTAAATGATTTCATGACTGAACATGAGAGAAAAGGTCGGACTGCTG[T>C]ATTAGTAGCAGTTGATGGTAAGGTTTTCCATAAGTATGCTATAACTCAATGTTTTGTTAT-3'
Protein context (NP_000043.4, residues 1204-1224): TEHERKGRTA[Val1214Ala]LVAVDDELCG